The following is an entry in ClinVar:

NM_014956.5(CEP164):c.429T>C (p.Pro143=)

Gene: CEP164 (centrosomal protein 164; plus strand). Cytogenetic location: 11q23.3.
Variant type: single nucleotide variant.
Coding change: c.429T>C on transcript NM_014956.5 (MANE Select); coding-DNA position 429, T replaced by C.
Protein change: p.Pro143=; no amino-acid change (proline 143 retained).
Molecular consequence: synonymous variant.
Genome position (GRCh38, 1-based): chr11:117,361,870, T>C. VCF-style: chr11-117361870-T-C. GRCh37 (hg19) VCF-style: chr11-117232586-T-C.
Other names: c.429T>C (NM_014956.4); c.429T>C, p.Pro143= (NM_001271933.2).
Identifiers: ClinVar variation 1931778 (VCV001931778.6), dbSNP rs2041021444, ClinGen allele CA476896074.

ClinVar aggregate classification (germline): Likely benign. Review status: criteria provided, multiple submitters, no conflicts (2 of 4 stars). 2 submissions from 2 submitters: Likely benign (2). Last evaluated 2025-11-26.

Conditions:
CEP164-related disorder. Also called: CEP164-related condition.
Nephronophthisis 15 (NPHP15). Identifiers: Orphanet 3156, MedGen C3541853, MONDO:0013917, OMIM 614845.

Allele frequency attached by ClinVar (database versions not stated): gnomAD exomes below 0.00001; gnomAD 0.00001.
gnomAD v4.1: 2 of 1,614,108 alleles (0.00012%); highest among the groups gnomAD compares: East Asian, 0.0022%; no homozygotes.

Submissions (2):

PreventionGenetics, part of Exact Sciences
Classification: Likely benign for CEP164-related condition. Last evaluated: 2025-11-26. Review status: criteria provided, single submitter. Criteria: ACMG Guidelines, 2015. Collection method: clinical testing. Allele origin: germline.
Comment: This variant is classified as likely benign based on ACMG/AMP sequence variant interpretation guidelines (Richards et al. 2015 PMID: 25741868, with internal and published modifications).

Labcorp Genetics (formerly Invitae), Labcorp
Classification: Likely benign for Nephronophthisis 15. Last evaluated: 2022-01-14. Review status: criteria provided, single submitter. Criteria: Invitae Variant Classification Sherloc (09022015). Collection method: clinical testing. Allele origin: germline.